The following is an entry in ClinVar:

ClinVar aggregate classification (germline): Likely benign (1 of 4 stars; one submission).

Conditions:
HTT-related disorder. Also called: HTT-related condition.

Submission:

PreventionGenetics, part of Exact Sciences
Classification: Likely benign for HTT-related condition. Last evaluated: 2021-03-30. Review status: criteria provided, single submitter. Criteria: ACMG Guidelines, 2015. Collection method: clinical testing. Allele origin: germline.
Comment: This variant is classified as likely benign based on ACMG/AMP sequence variant interpretation guidelines (Richards et al. 2015 PMID: 25741868, with internal and published modifications).

NM_001388492.1(HTT):c.7500C>T (p.Val2500=)

Gene: HTT (huntingtin; plus strand). Cytogenetic location: 4p16.3.
Variant type: single nucleotide variant.
Coding change: c.7500C>T on transcript NM_001388492.1 (MANE Select); coding-DNA position 7500, C replaced by T.
Protein change: p.Val2500=; no amino-acid change (valine 2500 retained).
Molecular consequence: synonymous variant.
Genome position (GRCh38, 1-based): chr4:3,223,435, C>T. VCF-style: chr4-3223435-C-T. GRCh37 (hg19) VCF-style: chr4-3225162-C-T.
Other names: c.7506C>T, p.Val2502= (NM_002111.8).
Identifiers: ClinVar variation 3036835 (VCV003036835.1), dbSNP rs2474063280, ClinGen allele CA438135190.
Genomic context (GRCh38, chr4:3,223,435, plus strand): 5'-GCTCTTGTTGACATGTGGGCTCTCCTTCCAGGAAGACACAGAGAGGACCCAGATCAACGT[C>T]CTGGCCGTGCAGGCCATCACCTCACTGGTGCTCAGTGCAATGACTGTGCCTGTGGCCGGC-3'
Protein context (NP_001375421.1, residues 2490-2510): EEDTERTQIN[Val2500=]LAVQAITSLV